The following is an entry in ClinVar:

NM_000368.5(TSC1):c.329C>T (p.Ala110Val)

Gene: TSC1 (TSC complex subunit 1; minus strand). Cytogenetic location: 9q34.13.
Variant type: single nucleotide variant.
Coding change: c.329C>T on transcript NM_000368.5 (MANE Select); coding-DNA position 329, C replaced by T.
Protein change: p.Ala110Val; replaces alanine 110 with valine.
Molecular consequence: missense variant. On other transcripts: 5 prime UTR variant (1), intron variant (1).
Genome position (GRCh38, 1-based): chr9:132,925,621, G>A on the plus strand (C>T on the coding strand, the complement: TSC1 is on the minus strand). VCF-style: chr9-132925621-G-A. GRCh37 (hg19) VCF-style: chr9-135801008-G-A.
Other names: c.329C>T, p.Ala110Val (NM_001162426.2); c.-35C>T (NM_001362177.2); c.210+1580C>T (NM_001162427.2); short protein forms A110V.
Identifiers: ClinVar variation 640291 (VCV000640291.9), dbSNP rs1588355332, ClinGen allele CA375374408.

ClinVar aggregate classification (germline): Uncertain significance. Review status: criteria provided, multiple submitters, no conflicts (2 of 4 stars). 2 submissions from 2 submitters: Uncertain significance (2). Last evaluated 2024-05-08.

Conditions:
Tuberous sclerosis 1 (TSC1). Identifiers: Orphanet 805, MedGen C1854465, MONDO:0008612, OMIM 191100.
Lymphangiomyomatosis (LAM). Also called: Lymphangioleiomyomatosis, somatic; Lymphangioleiomyomatosis. Identifiers: Orphanet 538, MedGen C0751674, MONDO:0011705, OMIM 606690.
Isolated focal cortical dysplasia type II (FCORD2). Also called: CORTICAL DYSPLASIA OF TAYLOR; Focal cortical dysplasia type II. Identifiers: Orphanet 268994, MedGen C1846385, MONDO:0011818, OMIM 607341, HP:0032051.

Allele frequency attached by ClinVar (database versions not stated): gnomAD exomes below 0.00001.
gnomAD v4.1: 1 of 1,614,214 alleles (0.000062%); highest among the groups gnomAD compares: Non-Finnish European, 0.000085%; no homozygotes.

Submissions (2):

Fulgent Genetics
Classification: Uncertain significance for Tuberous sclerosis 1; Lymphangiomyomatosis; Isolated focal cortical dysplasia type II. Last evaluated: 2024-05-08. Review status: criteria provided, single submitter. Criteria: ACMG Guidelines, 2015. Collection method: clinical testing. Allele origin: germline.

Labcorp Genetics (formerly Invitae), Labcorp
Classification: Uncertain significance for Tuberous sclerosis 1. Last evaluated: 2022-08-23. Review status: criteria provided, single submitter. Criteria: Invitae Variant Classification Sherloc (09022015). Collection method: clinical testing. Allele origin: germline.
Comment: Algorithms developed to predict the effect of sequence changes on RNA splicing suggest that this variant may create or strengthen a splice site. In summary, the available evidence is currently insufficient to determine the role of this variant in disease. Therefore, it has been classified as a Variant of Uncertain Significance. Algorithms developed to predict the effect of missense changes on protein structure and function are either unavailable or do not agree on the potential impact of this missense change (SIFT: "Tolerated"; PolyPhen-2: "Possibly Damaging"; Align-GVGD: "Class C0"). ClinVar contains an entry for this variant (Variation ID: 640291). This variant has not been reported in the literature in individuals affected with TSC1-related conditions. This variant is not present in population databases (gnomAD no frequency). This sequence change replaces alanine, which is neutral and non-polar, with valine, which is neutral and non-polar, at codon 110 of the TSC1 protein (p.Ala110Val).